The following is an entry in ClinVar:

ClinVar aggregate classification (germline): Benign (0 of 4 stars; one submission).

Conditions:
MUC16-related disorder. Also called: MUC16-related condition.

Allele frequency attached by ClinVar (database versions not stated): 1000 Genomes Project 30x 0.16552.

Submission:

PreventionGenetics, part of Exact Sciences
Classification: Benign for MUC16-related condition. Last evaluated: 2019-06-06. Review status: no assertion criteria provided. Collection method: clinical testing. Allele origin: germline.
Comment: This variant is classified as benign based on ACMG/AMP sequence variant interpretation guidelines (Richards et al. 2015 PMID: 25741868, with internal and published modifications).

NM_001401501.2(MUC16):c.39436A>C (p.Thr13146Pro)

Gene: MUC16 (mucin 16, cell surface associated; minus strand). Cytogenetic location: 19p13.2.
Variant type: single nucleotide variant.
Coding change: c.39436A>C on transcript NM_001401501.2 (MANE Select); coding-DNA position 39436, A replaced by C.
Protein change: p.Thr13146Pro; replaces threonine 13146 with proline.
Molecular consequence: missense variant.
Genome position (GRCh38, 1-based): chr19:8,897,626, T>G on the plus strand (A>C on the coding strand, the complement: MUC16 is on the minus strand). VCF-style: chr19-8897626-T-G. GRCh37 (hg19) VCF-style: chr19-9008302-T-G.
Other names: c.39862A>C, p.Thr13288Pro (NM_001414686.1); c.39316A>C, p.Thr13106Pro (NM_001414687.1); c.39250A>C, p.Thr13084Pro (NM_024690.2); short protein forms T13084P, T13106P, T13146P, T13288P.
Identifiers: ClinVar variation 3044092 (VCV003044092.2), dbSNP rs1342246257, ClinGen allele CA403817486.